The following is an entry in ClinVar:

ClinVar aggregate classification (germline): Likely pathogenic (1 of 4 stars; one submission).

Conditions:
Glycogen storage disease IXb (GSD9B). Also called: PHOSPHORYLASE KINASE DEFICIENCY OF LIVER AND MUSCLE, AUTOSOMAL RECESSIVE; GLYCOGENOSIS OF LIVER AND MUSCLE, AUTOSOMAL RECESSIVE; GSD IXb. Identifiers: Orphanet 79240, MedGen C0543514, MONDO:0009868, OMIM 261750.

Submission:

Labcorp Genetics (formerly Invitae), Labcorp
Classification: Likely pathogenic for Glycogen storage disease IXb. Last evaluated: 2022-06-03. Review status: criteria provided, single submitter. Criteria: Invitae Variant Classification Sherloc (09022015). Collection method: clinical testing. Allele origin: germline.
Comment: This variant results in a copy number gain of the genomic region encompassing exon(s) 14 of the PHKB gene. While the exact position of this variant cannot be determined from the data, sub-genic copy number gains are generally in tandem (PMID: 25640679). This variant is predicted to be out-of-frame, and may result in an absent or disrupted protein product. Loss-of-function variants in PHKB are known to be pathogenic (PMID: 9215682, 9326319). This variant has not been reported in the literature in individuals affected with PHKB-related conditions. In summary, the currently available evidence indicates that the variant is pathogenic, but additional data are needed to prove that conclusively. Therefore, this variant has been classified as Likely Pathogenic.

Literature cited by the submitters: PubMed 25640679; PubMed 9215682; PubMed 9326319.

NC_000016.9:g.(?_47644717)_(47644851_?)dup

Gene: PHKB (phosphorylase kinase regulatory subunit beta; plus strand). Cytogenetic location: 16q12.1.
Variant type: Duplication.
Identifiers: ClinVar variation 2422826 (VCV002422826.4).